The following is an entry in ClinVar:

ClinVar aggregate classification (germline): Uncertain significance (1 of 4 stars; one submission).

Conditions:
Combined immunodeficiency due to LRBA deficiency. Also called: Common variable immunodeficiency 8, with autoimmunity. Identifiers: Orphanet 445018, MedGen C3553512, MONDO:0013863, OMIM 614700.

Allele frequency attached by ClinVar (database versions not stated): gnomAD exomes 0.00001.
gnomAD v4.1: 14 of 1,612,918 alleles (0.00087%); highest among the groups gnomAD compares: African/African-American, 0.0013%; no homozygotes.

Submission:

Labcorp Genetics (formerly Invitae), Labcorp
Classification: Uncertain significance for Combined immunodeficiency due to LRBA deficiency. Last evaluated: 2018-07-28. Review status: criteria provided, single submitter. Criteria: Invitae Variant Classification Sherloc (09022015). Collection method: clinical testing. Allele origin: germline.
Comment: In summary, the available evidence is currently insufficient to determine the role of this variant in disease. Therefore, it has been classified as a Variant of Uncertain Significance. Algorithms developed to predict the effect of missense changes on protein structure and function (SIFT, PolyPhen-2, Align-GVGD) all suggest that this variant is likely to be tolerated, but these predictions have not been confirmed by published functional studies and their clinical significance is uncertain. This variant has not been reported in the literature in individuals with LRBA-related disease. This variant is not present in population databases (ExAC no frequency). This sequence change replaces isoleucine with threonine at codon 608 of the LRBA protein (p.Ile608Thr). The isoleucine residue is weakly conserved and there is a moderate physicochemical difference between isoleucine and threonine.

NM_001364905.1(LRBA):c.1823T>C (p.Ile608Thr)

Gene: LRBA (LPS responsive beige-like anchor protein; minus strand). Cytogenetic location: 4q31.3.
Variant type: single nucleotide variant.
Coding change: c.1823T>C on transcript NM_001364905.1 (MANE Select); coding-DNA position 1823, T replaced by C.
Protein change: p.Ile608Thr; replaces isoleucine 608 with threonine.
Molecular consequence: missense variant.
Genome position (GRCh38, 1-based): chr4:150,900,150, A>G on the plus strand (T>C on the coding strand, the complement: LRBA is on the minus strand). VCF-style: chr4-150900150-A-G. GRCh37 (hg19) VCF-style: chr4-151821302-A-G.
Other names: c.1823T>C, p.Ile608Thr (NM_001199282.3, NM_001367550.1, NM_006726.5); short protein forms I608T.
Identifiers: ClinVar variation 641820 (VCV000641820.8), dbSNP rs1579140481, ClinGen allele CA358430226.